The following is an entry in ClinVar:

ClinVar aggregate classification (germline): Pathogenic. Review status: criteria provided, multiple submitters, no conflicts (2 of 4 stars). 2 submissions from 2 submitters: Pathogenic (2). Last evaluated 2019-05-20.

Conditions:
Hereditary breast ovarian cancer syndrome. Also called: Hereditary breast and ovarian cancer; Hereditary breast and/or ovarian cancer syndrome; Hereditary breast and ovarian cancer syndrome; Hereditary breast and ovarian cancer syndrome (HBOC); Breast and ovarian cancer; BRCA1- and BRCA2-Associated Hereditary Breast and Ovarian Cancer. Identifiers: Orphanet 145, MedGen C0677776, MeSH D061325, MONDO:0003582. Disease mechanism: loss of function.

Submissions (2):

GeneDx
Classification: Pathogenic. Last evaluated: 2019-05-20. Review status: criteria provided, single submitter. Criteria: GeneDx Variant Classification Process June 2021. Collection method: clinical testing. Allele origin: germline. Affected: yes.
Comment: Frameshift variant predicted to result in protein truncation or nonsense mediated decay in a gene for which loss-of-function is a known mechanism of disease; Not observed in large population cohorts (Lek et al., 2016); Has not been previously published as pathogenic or benign to our knowledge

Labcorp Genetics (formerly Invitae), Labcorp
Classification: Pathogenic for Hereditary breast ovarian cancer syndrome. Last evaluated: 2019-04-04. Review status: criteria provided, single submitter. Criteria: Invitae Variant Classification Sherloc (09022015). Collection method: clinical testing. Allele origin: germline.
Comment: This sequence change creates a premature translational stop signal (p.Ile1534Asnfs*14) in the BRCA2 gene. It is expected to result in an absent or disrupted protein product. This variant is not present in population databases (ExAC no frequency). For these reasons, this variant has been classified as Pathogenic. Loss-of-function variants in BRCA2 are known to be pathogenic (PMID: 20104584). This variant has not been reported in the literature in individuals with BRCA2-related conditions. ClinVar contains an entry for this variant (Variation ID: 545833).

Literature cited by the submitters: PubMed 20104584 (cited by Labcorp Genetics (formerly Invitae), Labcorp).

NM_000059.4(BRCA2):c.4600dup (p.Ile1534fs)

Gene: BRCA2 (BRCA2 DNA repair associated; plus strand). Cytogenetic location: 13q13.1.
Variant type: Duplication.
Coding change: c.4600dup on transcript NM_000059.4 (MANE Select); coding-DNA position 4600, one base duplicated (A; older notation c.4600dupA).
Protein change: p.Ile1534fs; shifts the reading frame from isoleucine 1534.
Molecular consequence: frameshift variant.
Genome position (GRCh38, 1-based): chr13:32,338,955, A duplicated; the last of 4 consecutive A bases (chr13:32,338,952-32,338,955); duplicating any one gives the same sequence. VCF-style (leftmost placement, unchanged base first): chr13-32338951-T-TA. GRCh37 (hg19) VCF-style: chr13-32913088-T-TA.
Other names: c.4600dupA (NM_000059.3); short protein forms I1534fs.
Identifiers: ClinVar variation 545833 (VCV000545833.11), dbSNP rs1555283867, ClinGen allele CA658823602.